The following is an entry in ClinVar:

ClinVar aggregate classification (germline): Likely pathogenic (1 of 4 stars; one submission).

Conditions:
Neurodevelopmental disorder with or without early-onset generalized epilepsy. Identifiers: MedGen C5436914, MONDO:0030930, OMIM 619157.

Submission:

3billion
Classification: Likely pathogenic for Neurodevelopmental disorder with or without early-onset generalized epilepsy. Last evaluated: 2025-08-07. Review status: criteria provided, single submitter. Criteria: ACMG Guidelines, 2015. Collection method: clinical testing. Allele origin: germline. Affected: yes.
Comment: The variant is not observed in the gnomAD v4.1.0 dataset. Predicted Consequence/Location: Canonical splice site: predicted to alter splicing and result in a loss or disruption of normal protein function. Multiple pathogenic loss-of-function variants are reported downstream of the variant. In silico tools predict the variant to alter splicing and produce an abnormal transcript [SpliceAI: 0.94 (spliceogenicity >=0.2, non-spliceogenicity <0.1)]. Therefore, this variant is classified as Likely pathogenic according to the recommendation of ACMG/AMP guideline.

NM_001385012.1(NBEA):c.5366+1G>A

Gene: NBEA (neurobeachin; plus strand). Cytogenetic location: 13q13.3.
Variant type: single nucleotide variant.
Coding change: c.5366+1G>A on transcript NM_001385012.1 (MANE Select); the canonical splice donor site of the intron after coding-DNA position 5366, G replaced by A.
Molecular consequence: splice donor variant.
Genome position (GRCh38, 1-based): chr13:35,196,303, G>A. VCF-style: chr13-35196303-G-A. GRCh37 (hg19) VCF-style: chr13-35770440-G-A.
Other names: c.5366+1G>A (NM_015678.5); c.5357+1G>A (NM_001379245.1).
Identifiers: ClinVar variation 4856279 (VCV004856279.1).